The following is an entry in ClinVar:

NC_000005.9:g.(?_1254473)_(1322087_?)dup

Genes: CLPTM1L (CLPTM1 like), TERT (telomerase reverse transcriptase; minus strand). Cytogenetic location: 5p15.33.
Variant type: Duplication.
Identifiers: ClinVar variation 3246398 (VCV003246398.1).

ClinVar aggregate classification (germline): Uncertain significance (1 of 4 stars; one submission).

Conditions:
Idiopathic Pulmonary Fibrosis. Also called: Idiopathic fibrosing alveolitis, chronic form; idiopathic fibrosing alveolitis. Identifiers: Orphanet 2032, MedGen C1800706, MeSH D054990, MONDO:0800504.
Dyskeratosis congenita, autosomal dominant 2. Identifiers: MedGen C3151443, MONDO:0013521, OMIM 613989.

Submission:

Labcorp Genetics (formerly Invitae), Labcorp
Classification: Uncertain significance for Dyskeratosis congenita, autosomal dominant 2; Idiopathic Pulmonary Fibrosis. Last evaluated: 2023-04-23. Review status: criteria provided, single submitter. Criteria: Invitae Variant Classification Sherloc (09022015). Collection method: clinical testing. Allele origin: unknown.
Comment: In summary, the available evidence is currently insufficient to determine the role of this variant in disease. Therefore, it has been classified as a Variant of Uncertain Significance. Experimental studies and prediction algorithms are not available or were not evaluated, and the functional significance of this variant is currently unknown. This variant has not been reported in the literature in individuals affected with TERT-related conditions. This variant results in a copy number gain of the genomic region encompassing exon(s) 1-15 of the TERT gene. This region includes the initiator codon of the gene. This copy number gain extends beyond the assayed region for this gene and therefore may encompass additional genes. As the precise location of this event is unknown, it may be in tandem or it may be located elsewhere in the genome.